The following is an entry in ClinVar:

NM_000245.4(MET):c.4000G>C (p.Val1334Leu)

Gene: MET (MET proto-oncogene, receptor tyrosine kinase; plus strand). Cytogenetic location: 7q31.2.
Variant type: single nucleotide variant.
Coding change: c.4000G>C on transcript NM_000245.4 (MANE Select); coding-DNA position 4000, G replaced by C.
Protein change: p.Val1334Leu; replaces valine 1334 with leucine.
Molecular consequence: missense variant.
Genome position (GRCh38, 1-based): chr7:116,795,951, G>C. VCF-style: chr7-116795951-G-C. GRCh37 (hg19) VCF-style: chr7-116436005-G-C.
Other names: c.4054G>C, p.Val1352Leu (NM_001127500.3); c.2710G>C, p.Val904Leu (NM_001324402.2); short protein forms V1334L, V1352L, V904L.
Identifiers: ClinVar variation 3294368 (VCV003294368.1).
Genomic context (GRCh38, chr7:116,795,951, plus strand): 5'-GAAGTAATGCTAAAATGCTGGCACCCTAAAGCCGAAATGCGCCCATCCTTTTCTGAACTG[G>C]TGTCCCGGATATCAGCGATCTTCTCTACTTTCATTGGGGAGCACTATGTCCATGTGAACG-3'
Protein context (NP_000236.2, residues 1324-1344): AEMRPSFSEL[Val1334Leu]SRISAIFSTF

ClinVar aggregate classification (germline): Uncertain significance (1 of 4 stars; one submission).

Conditions:
Hereditary cancer-predisposing syndrome. Also called: Tumor predisposition; Hereditary Cancer Syndrome; Hereditary neoplastic syndrome; Neoplastic Syndromes, Hereditary. Identifiers: Orphanet 140162, MedGen C0027672, MeSH D009386, MONDO:0015356.

Submission:

Ambry Genetics
Classification: Uncertain significance for Hereditary cancer-predisposing syndrome. Last evaluated: 2024-05-24. Review status: criteria provided, single submitter. Criteria: Ambry Variant Classification Scheme 2023. Collection method: clinical testing. Allele origin: germline.
Comment: The p.V1352L variant (also known as c.4054G>C), located in coding exon 20 of the MET gene, results from a G to C substitution at nucleotide position 4054. The valine at codon 1352 is replaced by leucine, an amino acid with highly similar properties. This amino acid position is conserved. In addition, the in silico prediction for this alteration is inconclusive. Based on the available evidence, the clinical significance of this variant remains unclear.